The following is an entry in ClinVar:

ClinVar aggregate classification (germline): Uncertain significance (1 of 4 stars; one submission).

Allele frequency attached by ClinVar (database versions not stated): ExAC 0.00001; gnomAD 0.00001.
gnomAD v4.1: 1 of 1,613,204 alleles (0.000062%); highest among the groups gnomAD compares: Admixed American, 0.0017%; no homozygotes.

Submission:

Labcorp Genetics (formerly Invitae), Labcorp
Classification: Uncertain significance. Last evaluated: 2022-06-22. Review status: criteria provided, single submitter. Criteria: Invitae Variant Classification Sherloc (09022015). Collection method: clinical testing. Allele origin: germline.
Comment: This sequence change replaces glycine, which is neutral and non-polar, with serine, which is neutral and polar, at codon 490 of the PNPT1 protein (p.Gly490Ser). This variant is present in population databases (rs760772034, gnomAD no frequency). This variant has not been reported in the literature in individuals affected with PNPT1-related conditions. Algorithms developed to predict the effect of missense changes on protein structure and function are either unavailable or do not agree on the potential impact of this missense change (SIFT: "Deleterious"; PolyPhen-2: "Possibly Damaging"; Align-GVGD: "Class C0"). In summary, the available evidence is currently insufficient to determine the role of this variant in disease. Therefore, it has been classified as a Variant of Uncertain Significance.

NM_033109.5(PNPT1):c.1468G>A (p.Gly490Ser)

Gene: PNPT1 (polyribonucleotide nucleotidyltransferase 1; minus strand). Cytogenetic location: 2p16.1.
Variant type: single nucleotide variant.
Coding change: c.1468G>A on transcript NM_033109.5 (MANE Select); coding-DNA position 1468, G replaced by A.
Protein change: p.Gly490Ser; replaces glycine 490 with serine.
Molecular consequence: missense variant.
Genome position (GRCh38, 1-based): chr2:55,654,927, C>T on the plus strand (G>A on the coding strand, the complement: PNPT1 is on the minus strand). VCF-style: chr2-55654927-C-T. GRCh37 (hg19) VCF-style: chr2-55882062-C-T.
Other names: short protein forms G490S.
Identifiers: ClinVar variation 1931661 (VCV001931661.2), dbSNP rs760772034, ClinGen allele CA1668060.